The following is an entry in ClinVar:

ClinVar aggregate classification (germline): Uncertain significance (1 of 4 stars; one submission).

Conditions:
Focal segmental glomerulosclerosis 2 (FSGS2). Identifiers: Orphanet 656, MedGen C1858915, MONDO:0011390, OMIM 603965.

Submission:

MVZ Medizinische Genetik Mainz
Classification: Uncertain significance for Focal segmental glomerulosclerosis 2. Last evaluated: 2022-10-26. Review status: criteria provided, single submitter. Criteria: UK Practice Guidelines For Variant Classification V4 01 2020. Collection method: clinical testing. Allele origin: germline. Inheritance: Autosomal dominant inheritance. Affected: yes. Observed: 1 variant allele.
Comment: ACMG Criteria: PM2_SUP, PP3 (ACMG Version 4)

NM_004621.6(TRPC6):c.1190G>A (p.Gly397Asp)

Gene: TRPC6 (transient receptor potential cation channel subfamily C member 6; minus strand). Cytogenetic location: 11q22.1.
Variant type: single nucleotide variant.
Coding change: c.1190G>A on transcript NM_004621.6 (MANE Select); coding-DNA position 1190, G replaced by A.
Protein change: p.Gly397Asp; replaces glycine 397 with aspartic acid.
Molecular consequence: missense variant.
Genome position (GRCh38, 1-based): chr11:101,489,040, C>T on the plus strand (G>A on the coding strand, the complement: TRPC6 is on the minus strand). VCF-style: chr11-101489040-C-T. GRCh37 (hg19) VCF-style: chr11-101359771-C-T.
Other names: short protein forms G397D.
Identifiers: ClinVar variation 3066315 (VCV003066315.1), dbSNP rs2496163009, ClinGen allele CA382443492.